The following is an entry in ClinVar:

ClinVar aggregate classification (germline): Pathogenic (1 of 4 stars; one submission).

Conditions:
Arrhythmogenic right ventricular dysplasia 9 (ARVD9). Also called: Arrhythmogenic Right Ventricular Dysplasia/Cardiomyopathy 9; ARRHYTHMOGENIC RIGHT VENTRICULAR DYSPLASIA, FAMILIAL, 9. Identifiers: MedGen C1836906, MONDO:0012180, OMIM 609040.

Submission:

Labcorp Genetics (formerly Invitae), Labcorp
Classification: Pathogenic for Arrhythmogenic right ventricular dysplasia 9. Last evaluated: 2024-03-12. Review status: criteria provided, single submitter. Criteria: Invitae Variant Classification Sherloc (09022015). Collection method: clinical testing. Allele origin: germline.
Comment: This sequence change creates a premature translational stop signal (p.Gln292*) in the PKP2 gene. It is expected to result in an absent or disrupted protein product. Loss-of-function variants in PKP2 are known to be pathogenic (PMID: 15489853, 17041889, 23911551). This variant is not present in population databases (gnomAD no frequency). This variant has not been reported in the literature in individuals affected with PKP2-related conditions. For these reasons, this variant has been classified as Pathogenic.

Literature cited by the submitters: PubMed 15489853; PubMed 17041889; PubMed 23911551.

NM_001005242.3(PKP2):c.874C>T (p.Gln292Ter)

Gene: PKP2 (plakophilin 2; minus strand). Cytogenetic location: 12p11.21.
Variant type: single nucleotide variant.
Coding change: c.874C>T on transcript NM_001005242.3 (MANE Select); coding-DNA position 874, C replaced by T.
Protein change: p.Gln292Ter; replaces glutamine 292 with a stop codon.
Molecular consequence: nonsense.
Genome position (GRCh38, 1-based): chr12:32,878,006, G>A on the plus strand (C>T on the coding strand, the complement: PKP2 is on the minus strand). VCF-style: chr12-32878006-G-A. GRCh37 (hg19) VCF-style: chr12-33030940-G-A.
Other names: c.547C>T, p.Gln183Ter (NM_001407158.1, NM_001407159.1, NM_001407160.1 and 1 more transcripts); c.874C>T, p.Gln292Ter (NM_001407161.1, NM_004572.4, NM_001407155.1 and 2 more transcripts); short protein forms Q183*, Q292*.
Identifiers: ClinVar variation 3639652 (VCV003639652.2).